The following is an entry in ClinVar:

ClinVar aggregate classification (germline): Likely pathogenic. Review status: criteria provided, multiple submitters, no conflicts (2 of 4 stars). 2 submissions from 2 submitters: Likely pathogenic (2). Last evaluated 2023-05-02.

Conditions:
Imerslund-Grasbeck syndrome. Also called: Imerslund-Gräsbeck syndrome; Megaloblastic anemia due to inborn errors of metabolism; ENTEROCYTE COBALAMIN MALABSORPTION; ENTEROCYTE INTRINSIC FACTOR RECEPTOR, DEFECT OF; PERNICIOUS ANEMIA, JUVENILE, DUE TO SELECTIVE INTESTINAL MALABSORPTION OF VITAMIN B12, WITH PROTEINURIA. Identifiers: Orphanet 35858, MedGen C4551825, MONDO:0009853.
Imerslund-Grasbeck syndrome type 2. Also called: Megaloblastic anemia 1, Norwegian type; MEGALOBLASTIC ANEMIA, NORWEGIAN TYPE; Imerslund-Gräsbeck syndrome 2. Identifiers: MedGen C4016948, MONDO:0100157, OMIM 618882.

Allele frequency attached by ClinVar (database versions not stated): TOPMed below 0.00001; gnomAD exomes below 0.00001.

Submissions (2):

Labcorp Genetics (formerly Invitae), Labcorp
Classification: Likely pathogenic for Imerslund-Grasbeck syndrome. Last evaluated: 2023-05-02. Review status: criteria provided, single submitter. Criteria: Invitae Variant Classification Sherloc (09022015). Collection method: clinical testing. Allele origin: germline.
Comment: This variant is not present in population databases (gnomAD no frequency). This sequence change affects a donor splice site in intron 7 of the AMN gene. It is expected to disrupt RNA splicing. Variants that disrupt the donor or acceptor splice site typically lead to a loss of protein function (PMID: 16199547), and loss-of-function variants in AMN are known to be pathogenic (PMID: 12590260, 22929189). This variant has not been reported in the literature in individuals affected with AMN-related conditions. In summary, the currently available evidence indicates that the variant is pathogenic, but additional data are needed to prove that conclusively. Therefore, this variant has been classified as Likely Pathogenic. Algorithms developed to predict the effect of sequence changes on RNA splicing suggest that this variant may disrupt the consensus splice site. ClinVar contains an entry for this variant (Variation ID: 532205).

Fulgent Genetics
Classification: Likely pathogenic for Imerslund-Grasbeck syndrome type 2. Last evaluated: 2022-05-14. Review status: criteria provided, single submitter. Criteria: ACMG Guidelines, 2015. Collection method: clinical testing. Allele origin: unknown.

Literature cited by the submitters: PubMed 16199547 (cited by Labcorp Genetics (formerly Invitae), Labcorp); PubMed 12590260 (cited by Labcorp Genetics (formerly Invitae), Labcorp); PubMed 22929189 (cited by Labcorp Genetics (formerly Invitae), Labcorp).

NM_030943.4(AMN):c.760+1G>A

Gene: AMN (amnion associated transmembrane protein; plus strand). Cytogenetic location: 14q32.32.
Variant type: single nucleotide variant.
Coding change: c.760+1G>A on transcript NM_030943.4 (MANE Select); the canonical splice donor site of the intron after coding-DNA position 760, G replaced by A.
Molecular consequence: splice donor variant.
Genome position (GRCh38, 1-based): chr14:102,929,537, G>A. VCF-style: chr14-102929537-G-A. GRCh37 (hg19) VCF-style: chr14-103395874-G-A.
Identifiers: ClinVar variation 532205 (VCV000532205.8), dbSNP rs1555381485, ClinGen allele CA391082428.